The following is an entry in ClinVar:

NM_000834.5(GRIN2B):c.3834C>A (p.Thr1278=)

Gene: GRIN2B (glutamate ionotropic receptor NMDA type subunit 2B; minus strand). Cytogenetic location: 12p13.1.
Variant type: single nucleotide variant.
Coding change: c.3834C>A on transcript NM_000834.5 (MANE Select); coding-DNA position 3834, C replaced by A.
Protein change: p.Thr1278=; no amino-acid change (threonine 1278 retained).
Molecular consequence: synonymous variant.
Genome position (GRCh38, 1-based): chr12:13,563,404, G>T on the plus strand (C>A on the coding strand, the complement: GRIN2B is on the minus strand). VCF-style: chr12-13563404-G-T. GRCh37 (hg19) VCF-style: chr12-13716338-G-T.
Other names: c.3834C>A, p.Thr1278= (NM_001413992.1).
Identifiers: ClinVar variation 2582046 (VCV002582046.1), dbSNP rs376716897, ClinGen allele CA478847991.

ClinVar aggregate classification (germline): Uncertain significance (1 of 4 stars; one submission).

gnomAD v4.1: 3 of 1,614,222 alleles (0.00019%); highest among the groups gnomAD compares: Non-Finnish European, 0.00025%; no homozygotes.

Submission:

GeneDx
Classification: Uncertain significance. Last evaluated: 2023-03-27. Review status: criteria provided, single submitter. Criteria: GeneDx Variant Classification Process June 2021. Collection method: clinical testing. Allele origin: germline. Affected: yes.
Comment: Not observed at significant frequency in large population cohorts (gnomAD); In silico analysis supports that this variant does not alter splicing; Has not been previously published as pathogenic or benign to our knowledge.